The following is an entry in ClinVar:

ClinVar aggregate classification (germline): Uncertain significance (1 of 4 stars; one submission).

Conditions:
Distal hereditary motor neuropathy type 2. Identifiers: Orphanet 139525, MedGen C3711384, MeSH C580044, MONDO:0015352.

Allele frequency attached by ClinVar (database versions not stated): gnomAD exomes 0.00001 and 0.00003; ExAC 0.00002.
gnomAD v4.1: 22 of 1,613,348 alleles (0.0014%); highest among the groups gnomAD compares: Admixed American, 0.0033%; no homozygotes.

Submissions (2):

Labcorp Genetics (formerly Invitae), Labcorp
Classification: Uncertain significance for Distal hereditary motor neuropathy type 2. Last evaluated: 2024-08-05. Review status: criteria provided, single submitter. Criteria: Invitae Variant Classification Sherloc (09022015). Collection method: clinical testing. Allele origin: germline.
Comment: This sequence change replaces arginine, which is basic and polar, with glutamine, which is neutral and polar, at codon 58 of the FBXO38 protein (p.Arg58Gln). This variant is present in population databases (rs760456022, gnomAD 0.006%). This variant has not been reported in the literature in individuals affected with FBXO38-related conditions. ClinVar contains an entry for this variant (Variation ID: 1488978). Advanced modeling of protein sequence and biophysical properties (such as structural, functional, and spatial information, amino acid conservation, physicochemical variation, residue mobility, and thermodynamic stability) has been performed at Invitae for this missense variant, however the output from this modeling did not meet the statistical confidence thresholds required to predict the impact of this variant on FBXO38 protein function. In summary, the available evidence is currently insufficient to determine the role of this variant in disease. Therefore, it has been classified as a Variant of Uncertain Significance.

Dr. Peter K. Rogan Lab, Western University
No classification provided (evidence only). Condition: Uveal melanoma. Review status: no classification provided. Collection method: in vitro. Allele origin: not applicable. Functional consequence: retained intron. Not counted in ClinVar's aggregate classification.

NM_205836.3(FBXO38):c.173G>A (p.Arg58Gln)

Gene: FBXO38 (F-box protein 38; plus strand). Cytogenetic location: 5q32.
Variant type: single nucleotide variant.
Coding change: c.173G>A on transcript NM_205836.3 (MANE Select); coding-DNA position 173, G replaced by A.
Protein change: p.Arg58Gln; replaces arginine 58 with glutamine.
Molecular consequence: missense variant.
Genome position (GRCh38, 1-based): chr5:148,399,043, G>A. VCF-style: chr5-148399043-G-A. GRCh37 (hg19) VCF-style: chr5-147778606-G-A.
Other names: c.173G>A, p.Arg58Gln (NM_001271723.2, NM_030793.5); short protein forms R58Q.
Identifiers: ClinVar variation 1488978 (VCV001488978.7), dbSNP rs760456022, ClinGen allele CA3496984.